The following is an entry in ClinVar:

ClinVar aggregate classification (germline): Pathogenic (1 of 4 stars; one submission).

Allele frequency attached by ClinVar (database versions not stated): gnomAD exomes below 0.00001.
gnomAD v4.1: 1 of 1,600,284 alleles (0.000062%); highest among the groups gnomAD compares: Non-Finnish European, 0.000085%; no homozygotes.

Submission:

Labcorp Genetics (formerly Invitae), Labcorp
Classification: Pathogenic. Last evaluated: 2023-10-04. Review status: criteria provided, single submitter. Criteria: Invitae Variant Classification Sherloc (09022015). Collection method: clinical testing. Allele origin: germline.
Comment: This sequence change creates a premature translational stop signal (p.Gln1125*) in the LAMC2 gene. While this is not anticipated to result in nonsense mediated decay, it is expected to disrupt the last 69 amino acid(s) of the LAMC2 protein. This variant is not present in population databases (gnomAD no frequency). This variant has not been reported in the literature in individuals affected with LAMC2-related conditions. ClinVar contains an entry for this variant (Variation ID: 934704). This variant disrupts a region of the LAMC2 protein in which other variant(s) (p.Thr1132Asnfs*38) have been determined to be pathogenic (PMID: 11564184). This suggests that this is a clinically significant region of the protein, and that variants that disrupt it are likely to be disease-causing. For these reasons, this variant has been classified as Pathogenic.

Literature cited by the submitters: PubMed 11564184.

NM_005562.3(LAMC2):c.3373C>T (p.Gln1125Ter)

Gene: LAMC2 (laminin subunit gamma 2; plus strand). Cytogenetic location: 1q25.3.
Variant type: single nucleotide variant.
Coding change: c.3373C>T on transcript NM_005562.3 (MANE Select); coding-DNA position 3373, C replaced by T.
Protein change: p.Gln1125Ter; replaces glutamine 1125 with a stop codon.
Molecular consequence: nonsense.
Genome position (GRCh38, 1-based): chr1:183,243,191, C>T. VCF-style: chr1-183243191-C-T. GRCh37 (hg19) VCF-style: chr1-183212326-C-T.
Other names: short protein forms Q1125*.
Identifiers: ClinVar variation 934704 (VCV000934704.9), dbSNP rs1356003109, ClinGen allele CA343662596.